The following is an entry in ClinVar:

NM_000330.4(RS1):c.336G>A (p.Trp112Ter)

Genes: CDKL5 (cyclin dependent kinase like 5; plus strand), RS1 (retinoschisin 1; minus strand). Cytogenetic location: Xp22.13.
Variant type: single nucleotide variant.
Coding change: c.336G>A on transcript NM_000330.4 (MANE Select); coding-DNA position 336, G replaced by A.
Protein change: p.Trp112Ter; replaces tryptophan 112 with a stop codon.
Molecular consequence: nonsense. On other transcripts: intron variant (2).
Genome position (GRCh38, 1-based): chrX:18,644,616, C>T on the plus strand (G>A on the coding strand, the complement: RS1 is on the minus strand). VCF-style: chrX-18644616-C-T. GRCh37 (hg19) VCF-style: chrX-18662736-C-T.
Other names: c.2714-1391C>T (NM_003159.3, NM_001037343.2); short protein forms W112*.
Identifiers: ClinVar variation 3704497 (VCV003704497.4).
Genomic context (GRCh38, chrX:18,644,616, plus strand): 5'-CACTTTGATCTCCTTCAGATCTATCTGTAACCACTGGCTACTGTCCTGGAACTTGGAGAG[C>T]CAGGCACACCTGCCGAGAACATACCGAGTCACCGAGAGACTCCCCCTGTGCATGTCTGCA-3'

ClinVar aggregate classification (germline): Pathogenic. Review status: criteria provided, multiple submitters, no conflicts (2 of 4 stars). 2 submissions from 2 submitters: Pathogenic (2). Last evaluated 2025-10-28.

Conditions:
RS1-related disorder. Also called: RS1-related condition.

Submissions (2):

Labcorp Genetics (formerly Invitae), Labcorp
Classification: Pathogenic. Last evaluated: 2025-10-28. Review status: criteria provided, single submitter. Criteria: Invitae Variant Classification Sherloc (09022015). Collection method: clinical testing. Allele origin: germline.
Comment: This sequence change creates a premature translational stop signal (p.Trp112*) in the RS1 gene. It is expected to result in an absent or disrupted protein product. Loss-of-function variants in RS1 are known to be pathogenic (PMID: 9618178, 17172462). This variant is not present in population databases (gnomAD no frequency). This premature translational stop signal has been observed in individual(s) with retinoschisis (PMID: 29739629). ClinVar contains an entry for this variant (Variation ID: 3704497). For these reasons, this variant has been classified as Pathogenic.

Blueprint Genetics
Classification: Pathogenic for RS1-related disorders. Last evaluated: 2024-08-27. Review status: criteria provided, single submitter. Criteria: ACMG Guidelines, 2015. Collection method: clinical testing. Allele origin: germline. Affected: yes. Observed: 1 variant allele.

Literature cited by the submitters: PubMed 9618178 (cited by Labcorp Genetics (formerly Invitae), Labcorp); PubMed 17172462 (cited by Labcorp Genetics (formerly Invitae), Labcorp); PubMed 29739629 (cited by Labcorp Genetics (formerly Invitae), Labcorp).